The following is an entry in ClinVar:

NM_000784.4(CYP27A1):c.1507C>T (p.Pro503Ser)

Gene: CYP27A1 (cytochrome P450 family 27 subfamily A member 1; plus strand). Cytogenetic location: 2q35.
Variant type: single nucleotide variant.
Coding change: c.1507C>T on transcript NM_000784.4 (MANE Select); coding-DNA position 1507, C replaced by T.
Protein change: p.Pro503Ser; replaces proline 503 with serine.
Molecular consequence: missense variant.
Genome position (GRCh38, 1-based): chr2:218,814,941, C>T. VCF-style: chr2-218814941-C-T. GRCh37 (hg19) VCF-style: chr2-219679664-C-T.
Other names: short protein forms P503S.
Identifiers: ClinVar variation 4869572 (VCV004869572.1).

ClinVar aggregate classification (germline): Uncertain significance (1 of 4 stars; one submission).

Conditions:
Cardiovascular phenotype. Identifiers: MedGen CN230736.

gnomAD v4.1: 3 of 1,614,212 alleles (0.00019%); highest among the groups gnomAD compares: African/African-American, 0.0027%; no homozygotes.

Submission:

Ambry Genetics
Classification: Uncertain significance for Cardiovascular phenotype. Last evaluated: 2026-04-11. Review status: criteria provided, single submitter. Criteria: Ambry Variant Classification Scheme 2023. Collection method: clinical testing. Allele origin: germline.
Comment: The p.P503S variant (also known as c.1507C>T), located in coding exon 9 of the CYP27A1 gene, results from a C to T substitution at nucleotide position 1507. The proline at codon 503 is replaced by serine, an amino acid with similar properties. This amino acid position is conserved. In addition, the in silico prediction for this alteration is inconclusive. Based on the available evidence, the clinical significance of this variant remains unclear.